The following is an entry in ClinVar:

NM_000090.4(COL3A1):c.1238G>A (p.Arg413Gln)

Gene: COL3A1 (collagen type III alpha 1 chain; plus strand). Cytogenetic location: 2q32.2.
Variant type: single nucleotide variant.
Coding change: c.1238G>A on transcript NM_000090.4 (MANE Select); coding-DNA position 1238, G replaced by A.
Protein change: p.Arg413Gln; replaces arginine 413 with glutamine.
Molecular consequence: missense variant.
Genome position (GRCh38, 1-based): chr2:188,994,277, G>A. VCF-style: chr2-188994277-G-A. GRCh37 (hg19) VCF-style: chr2-189859003-G-A.
Other names: short protein forms R413Q.
Identifiers: ClinVar variation 1023621 (VCV001023621.15), dbSNP rs200446048, ClinGen allele CA074019.

ClinVar aggregate classification (germline): Uncertain significance. Review status: criteria provided, multiple submitters, no conflicts (2 of 4 stars). 6 submissions from 6 submitters: Uncertain significance (6). Last evaluated 2025-10-01.

Conditions:
Familial thoracic aortic aneurysm and aortic dissection (TAAD). Also called: Thoracic aortic aneurysms and dissections. Identifiers: Orphanet 91387, MedGen C4707243, MONDO:0019625.
Polymicrogyria with or without vascular-type Ehlers-Danlos syndrome. Identifiers: Orphanet 636941, MedGen C5193040, MONDO:0032688, OMIM 618343.
Ehlers-Danlos syndrome, type 4 (EDSVASC). Also called: Ehlers-Danlos syndrome vascular type; Ehlers Danlos syndrome, ecchymotic type; Ehlers Danlos syndrome, arterial type; Ehlers Danlos syndrome, Sack-Barabas type; Ehlers-Danlos Syndrome Type IV. Identifiers: Orphanet 286, MedGen C0268338, MONDO:0017314, OMIM 130050.

Allele frequency attached by ClinVar (database versions not stated): gnomAD exomes 0.00002 and 0.00004; ExAC 0.00005; gnomAD 0.00005; TOPMed 0.00005; ESP Exome Variant Server 0.00008; 1000 Genomes Project 0.00020; 1000 Genomes Project 30x 0.00031.
gnomAD v4.1: 35 of 1,613,938 alleles (0.0022%); highest among the groups gnomAD compares: East Asian, 0.013%; no homozygotes.

Submissions (6):

Labcorp Genetics (formerly Invitae), Labcorp
Classification: Uncertain significance for Ehlers-Danlos syndrome, type 4. Last evaluated: 2025-10-01. Review status: criteria provided, single submitter. Criteria: Invitae Variant Classification Sherloc (09022015). Collection method: clinical testing. Allele origin: germline.
Comment: This sequence change replaces arginine, which is basic and polar, with glutamine, which is neutral and polar, at codon 413 of the COL3A1 protein (p.Arg413Gln). This variant is present in population databases (rs200446048, gnomAD 0.02%). This missense change has been observed in individual(s) with sporadic thoracic aortic dissection (PMID: 34047934). ClinVar contains an entry for this variant (Variation ID: 1023621). Invitae Evidence Modeling of protein sequence and biophysical properties (such as structural, functional, and spatial information, amino acid conservation, physicochemical variation, residue mobility, and thermodynamic stability) indicates that this missense variant is not expected to disrupt COL3A1 protein function with a negative predictive value of 95%. In summary, the available evidence is currently insufficient to determine the role of this variant in disease. Therefore, it has been classified as a Variant of Uncertain Significance.

Women's Health and Genetics/Laboratory Corporation of America, LabCorp
Classification: Uncertain significance. Last evaluated: 2025-08-18. Review status: criteria provided, single submitter. Criteria: LabCorp Variant Classification Summary - May 2015. Collection method: clinical testing. Allele origin: germline.
Comment: Variant summary: COL3A1 c.1238G>A (p.Arg413Gln) results in a conservative amino acid change in the encoded protein sequence. Algorithms developed to predict the effect of missense changes on protein structure and function are either unavailable or do not agree on the potential impact of this missense change. The variant allele was found at a frequency of 3.6e-05 in 251078 control chromosomes. The available data on variant occurrences in the general population are insufficient to allow any conclusion about variant significance. c.1238G>A has been reported in the literature in one individual affected with sporadic thoracic aortic dissection (Chen_2021). The report does not provide unequivocal conclusions about association of the variant with Aortopathy. To our knowledge, no experimental evidence demonstrating an impact on protein function has been reported. The following publication have been ascertained in the context of this evaluation (PMID: 34047934). ClinVar contains an entry for this variant (Variation ID: 1023621). Based on the evidence outlined above, the variant was classified as uncertain significance.

Color Diagnostics, LLC DBA Color Health
Classification: Uncertain significance for Familial thoracic aortic aneurysm and aortic dissection. Last evaluated: 2024-12-11. Review status: criteria provided, single submitter. Criteria: ACMG Guidelines, 2015. Collection method: clinical testing. Allele origin: germline.
Comment: This missense variant replaces arginine with glutamine at codon 413 of the COL3A1 protein. Computational prediction tool is inconclusive regarding the impact of this variant on protein structure and function. To our knowledge, functional studies have not been reported for this variant. This variant has been reported in an individual affected with sporadic thoracic aortic dissection (PMID: 34047934). This variant has been identified in 10/282478 chromosomes in the general population by the Genome Aggregation Database (gnomAD). The available evidence is insufficient to determine the role of this variant in disease conclusively. Therefore, this variant is classified as a Variant of Uncertain Significance.

Department of Pathology and Laboratory Medicine, Sinai Health System
Classification: Uncertain significance for Ehlers-Danlos syndrome, vascular type. Last evaluated: 2022-04-26. Review status: criteria provided, single submitter. Criteria: ACMG Guidelines, 2015. Collection method: research. Allele origin: germline.

Fulgent Genetics
Classification: Uncertain significance for Ehlers-Danlos syndrome, type 4; Polymicrogyria with or without vascular-type Ehlers-Danlos syndrome. Last evaluated: 2021-11-04. Review status: criteria provided, single submitter. Criteria: ACMG Guidelines, 2015. Collection method: clinical testing. Allele origin: unknown.

GeneDx
Classification: Uncertain significance. Last evaluated: 2020-12-17. Review status: criteria provided, single submitter. Criteria: GeneDx Variant Classification Process June 2021. Collection method: clinical testing. Allele origin: germline. Affected: yes.
Comment: Has not been previously published as pathogenic or benign to our knowledge; In silico analysis supports that this missense variant has a deleterious effect on protein structure/function; Occurs in the triple helical domain at the Y position in the canonical Gly-X-Y repeat; although this variant may have an effect on normal protein folding and function, missense substitution at the Y position is not a common mechanism of disease

Literature cited by the submitters: PubMed 34047934 (cited by 3 submitters).